The following is an entry in ClinVar:

NM_000179.3(MSH6):c.232A>G (p.Arg78Gly)

Gene: MSH6 (mutS homolog 6; plus strand). Cytogenetic location: 2p16.3.
Variant type: single nucleotide variant.
Coding change: c.232A>G on transcript NM_000179.3 (MANE Select); coding-DNA position 232, A replaced by G.
Protein change: p.Arg78Gly; replaces arginine 78 with glycine.
Molecular consequence: missense variant. On other transcripts: 5 prime UTR variant (1).
Genome position (GRCh38, 1-based): chr2:47,783,465, A>G. VCF-style: chr2-47783465-A-G. GRCh37 (hg19) VCF-style: chr2-48010604-A-G.
Other names: c.232A>G, p.Arg78Gly (NM_001281492.2); c.-505A>G (NM_001281493.2); short protein forms R78G.
Identifiers: ClinVar variation 455189 (VCV000455189.21), dbSNP rs1553408408, ClinGen allele CA346735100.

ClinVar aggregate classification (germline): Conflicting classifications of pathogenicity. Review status: criteria provided, conflicting classifications (1 of 4 stars). 7 submissions from 7 submitters: Uncertain significance (6); Benign (1). Last evaluated 2026-01-21.

Conditions:
Hereditary cancer-predisposing syndrome. Also called: Hereditary Cancer Syndrome; Hereditary neoplastic syndrome; Neoplastic Syndromes, Hereditary; Tumor predisposition. Identifiers: Orphanet 140162, MedGen C0027672, MeSH D009386, MONDO:0015356.
Hereditary nonpolyposis colorectal neoplasms. Identifiers: MedGen C0009405, MeSH D003123.
Lynch syndrome. Identifiers: Orphanet 144, MedGen C4552100, MONDO:0005835. Disease mechanism: loss of function.
Endometrial carcinoma. Also called: Endometrial carcinoma, somatic. Identifiers: MedGen C0476089, MONDO:0002447, OMIM 608089, HP:0012114.

Allele frequency attached by ClinVar (database versions not stated): gnomAD exomes below 0.00001.
gnomAD v4.1: 4 of 1,452,814 alleles (0.00028%); highest among the groups gnomAD compares: Non-Finnish European, 0.00036%; no homozygotes.

Submissions (7):

Labcorp Genetics (formerly Invitae), Labcorp
Classification: Benign for Hereditary nonpolyposis colorectal neoplasms. Last evaluated: 2026-01-21. Review status: criteria provided, single submitter. Criteria: Invitae Variant Classification Sherloc (09022015). Collection method: clinical testing. Allele origin: germline.

Ambry Genetics
Classification: Uncertain significance for Hereditary cancer-predisposing syndrome. Last evaluated: 2024-04-11. Review status: criteria provided, single submitter. Criteria: Ambry Variant Classification Scheme 2023. Collection method: clinical testing. Allele origin: germline.
Comment: The p.R78G variant (also known as c.232A>G), located in coding exon 1 of the MSH6 gene, results from an A to G substitution at nucleotide position 232. The arginine at codon 78 is replaced by glycine, an amino acid with dissimilar properties. This amino acid position is not well conserved in available vertebrate species. In addition, this alteration is predicted to be tolerated by in silico analysis. Since supporting evidence is limited at this time, the clinical significance of this alteration remains unclear.

Color Diagnostics, LLC DBA Color Health
Classification: Uncertain significance for Hereditary cancer-predisposing syndrome. Last evaluated: 2024-03-06. Review status: criteria provided, single submitter. Criteria: ACMG Guidelines, 2015. Collection method: clinical testing. Allele origin: germline.
Comment: This missense variant replaces arginine with glycine at codon 78 of the MSH6 protein. Computational prediction suggests that this variant may not impact protein structure and function (internally defined REVEL score threshold <= 0.5, PMID: 27666373). To our knowledge, functional studies have not been reported for this variant. This variant has not been reported in individuals affected with MSH6-related disorders in the literature. This variant has not been identified in the general population by the Genome Aggregation Database (gnomAD). The available evidence is insufficient to determine the role of this variant in disease conclusively. Therefore, this variant is classified as a Variant of Uncertain Significance.

All of Us Research Program, National Institutes of Health
Classification: Uncertain significance for Lynch syndrome. Last evaluated: 2023-12-01. Review status: criteria provided, single submitter. Criteria: ACMG Guidelines, 2015. Collection method: clinical testing. Allele origin: germline. Inheritance: Autosomal dominant inheritance. Observed: 3 variant alleles, 3 heterozygotes.
Comment: This missense variant replaces arginine with glycine at codon 78 of the MSH6 protein. Computational prediction suggests that this variant may not impact protein structure and function (internally defined REVEL score threshold <= 0.5, PMID: 27666373). To our knowledge, functional studies have not been reported for this variant. This variant has not been reported in individuals affected with MSH6-related disorders in the literature. This variant has not been identified in the general population by the Genome Aggregation Database (gnomAD). The available evidence is insufficient to determine the role of this variant in disease conclusively. Therefore, this variant is classified as a Variant of Uncertain Significance.

This study involves interpretation of variants in research participants for the purpose of population health screening. Participant phenotype was not available at the time of variant classification. Additional details can be found in publication PMID: 35346344, PMCID: PMC8962531

Baylor Genetics
Classification: Uncertain significance for Endometrial carcinoma. Last evaluated: 2023-10-12. Review status: criteria provided, single submitter. Criteria: ACMG Guidelines, 2015. Collection method: clinical testing. Allele origin: unknown.

Sema4
Classification: Uncertain significance for Hereditary cancer-predisposing syndrome. Last evaluated: 2022-03-12. Review status: criteria provided, single submitter. Criteria: Sema4 Curation Guidelines. Collection method: curation. Allele origin: germline.
Comment: The MSH6 c.232A>G (p.R78G) variant has not been reported in the literature to our knowledge. This variant is not reported in the population database Genome Aggregation Database (PMID: 32461654), but has been reported in ClinVar (Variation ID: 455189). Functional studies have not been performed, and in silico predictions of the variant's effect on protein function are inconclusive. The evidence is insufficient to meet ACMG/AMP criteria for classifying the variant as benign or pathogenic. Thus, the clinical significance of this variant is currently uncertain.

GeneDx
Classification: Uncertain significance. Last evaluated: 2020-02-14. Review status: criteria provided, single submitter. Criteria: GeneDx Variant Classification Process June 2021. Collection method: clinical testing. Allele origin: germline. Affected: yes.
Comment: Not observed in large population cohorts (Lek 2016); In silico analysis supports that this missense variant does not alter protein structure/function; Has not been previously published as pathogenic or benign to our knowledge